The following is an entry in ClinVar:

ClinVar aggregate classification (germline): Uncertain significance. Review status: criteria provided, multiple submitters, no conflicts (2 of 4 stars). 3 submissions from 3 submitters: Uncertain significance (2). 1 of the submissions does not count toward it. Last evaluated 2025-08-20.

Conditions:
CREBBP-related disorder. Also called: CREBBP-related disorders; CREBBP-related condition.
Rubinstein-Taybi syndrome (RSTS). Identifiers: Orphanet 783, MedGen C0035934, MONDO:0019188.
Inborn genetic diseases. Identifiers: MedGen C0950123, MeSH D030342.

Allele frequency attached by ClinVar (database versions not stated): ExAC 0.00001; gnomAD 0.00001; TOPMed 0.00003.
gnomAD v4.1: 30 of 1,613,496 alleles (0.0019%); highest among the groups gnomAD compares: South Asian, 0.0033%; no homozygotes.

Submissions (3):

Labcorp Genetics (formerly Invitae), Labcorp
Classification: Uncertain significance for Rubinstein-Taybi syndrome. Last evaluated: 2025-08-20. Review status: criteria provided, single submitter. Criteria: Invitae Variant Classification Sherloc (09022015). Collection method: clinical testing. Allele origin: germline.
Comment: This sequence change replaces methionine, which is neutral and non-polar, with valine, which is neutral and non-polar, at codon 267 of the CREBBP protein (p.Met267Val). This variant is present in population databases (rs765652041, gnomAD 0.003%). This variant has not been reported in the literature in individuals affected with CREBBP-related conditions. ClinVar contains an entry for this variant (Variation ID: 2848222). Invitae Evidence Modeling of protein sequence and biophysical properties (such as structural, functional, and spatial information, amino acid conservation, physicochemical variation, residue mobility, and thermodynamic stability) indicates that this missense variant is not expected to disrupt CREBBP protein function with a negative predictive value of 95%. In summary, the available evidence is currently insufficient to determine the role of this variant in disease. Therefore, it has been classified as a Variant of Uncertain Significance.

Ambry Genetics
Classification: Uncertain significance for Inborn genetic diseases. Last evaluated: 2024-12-03. Review status: criteria provided, single submitter. Criteria: Ambry Variant Classification Scheme 2023. Collection method: clinical testing. Allele origin: germline.

PreventionGenetics, part of Exact Sciences
Classification: Likely benign for CREBBP-related condition. Last evaluated: 2024-09-04. Review status: no assertion criteria provided. Collection method: clinical testing. Allele origin: germline. Not counted in ClinVar's aggregate classification.
Comment: This variant is classified as likely benign based on ACMG/AMP sequence variant interpretation guidelines (Richards et al. 2015 PMID: 25741868, with internal and published modifications).

NM_004380.3(CREBBP):c.799A>G (p.Met267Val)

Gene: CREBBP (CREB binding lysine acetyltransferase; minus strand). Cytogenetic location: 16p13.3.
Variant type: single nucleotide variant.
Coding change: c.799A>G on transcript NM_004380.3 (MANE Select); coding-DNA position 799, A replaced by G.
Protein change: p.Met267Val; replaces methionine 267 with valine.
Molecular consequence: missense variant.
Genome position (GRCh38, 1-based): chr16:3,810,779, T>C on the plus strand (A>G on the coding strand, the complement: CREBBP is on the minus strand). VCF-style: chr16-3810779-T-C. GRCh37 (hg19) VCF-style: chr16-3860780-T-C.
Other names: c.799A>G, p.Met267Val (NM_001079846.1); c.799A>G (NM_004380.2); short protein forms M267V.
Identifiers: ClinVar variation 2848222 (VCV002848222.6), dbSNP rs765652041, ClinGen allele CA7870581.